The following is an entry in ClinVar:

NM_014159.7(SETD2):c.6739G>A (p.Val2247Ile)

Gene: SETD2 (SET domain containing 2, histone lysine methyltransferase; minus strand). Cytogenetic location: 3p21.31.
Variant type: single nucleotide variant.
Coding change: c.6739G>A on transcript NM_014159.7 (MANE Select); coding-DNA position 6739, G replaced by A.
Protein change: p.Val2247Ile; replaces valine 2247 with isoleucine.
Molecular consequence: missense variant. On other transcripts: non-coding transcript variant (1).
Genome position (GRCh38, 1-based): chr3:47,057,045, C>T on the plus strand (G>A on the coding strand, the complement: SETD2 is on the minus strand). VCF-style: chr3-47057045-C-T. GRCh37 (hg19) VCF-style: chr3-47098535-C-T.
Other names: c.6739G>A (NM_014159.6); c.6607G>A, p.Val2203Ile (NM_001349370.3); short protein forms V2203I, V2247I.
Identifiers: ClinVar variation 1020343 (VCV001020343.7), dbSNP rs2040114508, ClinGen allele CA352520021.

ClinVar aggregate classification (germline): Uncertain significance. Review status: criteria provided, multiple submitters, no conflicts (2 of 4 stars). 2 submissions from 2 submitters: Uncertain significance (2). Last evaluated 2026-08-04.

Conditions:
Luscan-Lumish syndrome. Identifiers: Orphanet 597738, MedGen C4085873, MONDO:0014791, OMIM 616831.

Submissions (2):

GeneDx
Classification: Uncertain significance. Last evaluated: 2026-08-04. Review status: criteria provided, single submitter. Criteria: GeneDx Variant Classification Process June 2021. Collection method: clinical testing. Allele origin: germline.
Comment: Not observed at significant frequency in large population cohorts (gnomAD); In silico analysis suggests that this missense variant does not alter protein structure/function; Has not been previously published as pathogenic or benign to our knowledge

Labcorp Genetics (formerly Invitae), Labcorp
Classification: Uncertain significance for Luscan-Lumish syndrome. Last evaluated: 2020-03-20. Review status: criteria provided, single submitter. Criteria: Invitae Variant Classification Sherloc (09022015). Collection method: clinical testing. Allele origin: germline.
Comment: Algorithms developed to predict the effect of missense changes on protein structure and function are either unavailable or do not agree on the potential impact of this missense change (SIFT: "Tolerated"; PolyPhen-2: "Probably Damaging"; Align-GVGD: "Class C0"). In summary, the available evidence is currently insufficient to determine the role of this variant in disease. Therefore, it has been classified as a Variant of Uncertain Significance. This variant has not been reported in the literature in individuals with SETD2-related conditions. This variant is not present in population databases (ExAC no frequency). This sequence change replaces valine with isoleucine at codon 2247 of the SETD2 protein (p.Val2247Ile). The valine residue is moderately conserved and there is a small physicochemical difference between valine and isoleucine.